The following is an entry in ClinVar:

NM_024675.4(PALB2):c.3031_3046del (p.Glu1011fs)

Gene: PALB2 (partner and localizer of BRCA2; minus strand). Cytogenetic location: 16p12.2.
Variant type: Deletion.
Coding change: c.3031_3046del on transcript NM_024675.4 (MANE Select); coding-DNA positions 3031 to 3046, 16 bases deleted (GAGACTATACTAACTT).
Protein change: p.Glu1011fs; shifts the reading frame from glutamic acid 1011.
Molecular consequence: frameshift variant. On other transcripts: intron variant (1).
Genome position (GRCh38, 1-based): chr16:23,621,429-23,621,444, AAGTTAGTATAGTCTC deleted on the plus strand (GAGACTATACTAACTT on the coding strand, the reverse complement: PALB2 is on the minus strand). VCF-style (leftmost placement, unchanged base first): chr16-23621428-AAAGTTAGTATAGTCTC-A. GRCh37 (hg19) VCF-style: chr16-23632749-AAAGTTAGTATAGTCTC-A.
Other names: c.2146_2161del, p.Glu716fs (NM_001407309.1, NM_001407310.1, NM_001407311.1 and 4 more transcripts); c.1243_1258del, p.Glu415fs (NM_001407312.1, NM_001407313.1); c.565_580del, p.Glu189fs (NM_001407314.1); c.2834+2565_2834+2580del (NM_001407300.1); c.2971_2986del, p.Glu991fs (NM_001407296.1); c.2959_2974del, p.Glu987fs (NM_001407297.1); c.2869_2884del, p.Glu957fs (NM_001407298.1, NM_001407302.1); c.3031_3046del, p.Glu1011fs (NM_001407299.1, NM_001407301.1); and 1 more; short protein forms E1011fs, E189fs, E415fs, E662fs, E716fs, E957fs, E987fs, E991fs.
Identifiers: ClinVar variation 2674077 (VCV002674077.1), dbSNP rs2506319397, ClinGen allele CA2695197584.
Genomic context (GRCh38, chr16:23,621,428, plus strand): 5'-ACAATGTTGTTCATAATAGTAGTACCAAGCAGAGCTTCTTGCATCCCTTGGACCTCAGCA[AAAGTTAGTATAGTCTC>A]CTCAGGGGGCATCAAAAATTGGTTTTCTTTGCCTCTGTAATTAAAACAGTATGAAAAGTC-3'

ClinVar aggregate classification (germline): Pathogenic (1 of 4 stars; one submission).

Conditions:
Familial cancer of breast. Also called: Hereditary breast cancer; BREAST CANCER, FAMILIAL; hereditary breast carcinoma. Identifiers: Orphanet 227535, MedGen C0346153, MONDO:0016419, OMIM 114480. Disease mechanism: loss of function.

Submission:

Myriad Genetics, Inc.
Classification: Pathogenic for Familial cancer of breast. Last evaluated: 2023-09-14. Review status: criteria provided, single submitter. Criteria: Myriad Autosomal Dominant, Autosomal Recessive and X-Linked Classification Criteria (2023). Collection method: clinical testing. Allele origin: unknown.
Comment: This variant is considered pathogenic. This variant creates a frameshift predicted to result in premature protein truncation.